The following is an entry in ClinVar:

ClinVar aggregate classification (germline): Uncertain significance (1 of 4 stars; one submission).

Allele frequency attached by ClinVar (database versions not stated): gnomAD exomes below 0.00001.
gnomAD v4.1: 1 of 1,614,146 alleles (0.000062%); highest among the groups gnomAD compares: Non-Finnish European, 0.000085%; no homozygotes.

Submission:

CeGaT Center for Human Genetics Tuebingen
Classification: Uncertain significance. Last evaluated: 2024-04-01. Review status: criteria provided, single submitter. Criteria: CeGaT Center For Human Genetics Tuebingen Variant Classification Criteria Version 2. Collection method: clinical testing. Allele origin: germline. Affected: yes. Observed: 1 variant allele.
Comment: PEX6: PM2

NM_000287.4(PEX6):c.2094+26G>T

Gene: PEX6 (peroxisomal biogenesis factor 6; minus strand). Cytogenetic location: 6p21.1.
Variant type: single nucleotide variant.
Coding change: c.2094+26G>T on transcript NM_000287.4 (MANE Select); 26 bases into the intron after coding-DNA position 2094, G replaced by T.
Molecular consequence: intron variant.
Genome position (GRCh38, 1-based): chr6:42,966,499, C>A on the plus strand (G>T on the coding strand, the complement: PEX6 is on the minus strand). VCF-style: chr6-42966499-C-A. GRCh37 (hg19) VCF-style: chr6-42934237-C-A.
Other names: c.1830+26G>T (NM_001316313.2).
Identifiers: ClinVar variation 3234688 (VCV003234688.20), dbSNP rs2481209670, ClinGen allele CA2678794817.
Genomic context (GRCh38, chr6:42,966,499, plus strand): 5'-TGAGGGGATCTAGGAGATGGAAAGTGCGTGGTTGGGATATGCTCTTGGAGGGGCTCCTGT[C>A]CCACCTCCAAGGACTTGGTCTCCACCTTGGGGGCTCCAACGGCCTGGGAGTGAGCTGTCT-3'